The following is an entry in ClinVar:

ClinVar aggregate classification (germline): Benign (0 of 4 stars; one submission).

Conditions:
CGNL1-related disorder. Also called: CGNL1-related condition.

Allele frequency attached by ClinVar (database versions not stated): ExAC 0.24728; 1000 Genomes Project 30x 0.28404; TOPMed 0.29859; 1000 Genomes Project 0.27815; ESP Exome Variant Server 0.31447.
gnomAD v4.1: 406,966 of 1,610,662 alleles (25%); highest among the groups gnomAD compares: African/African-American, 42%; 53,891 homozygotes.

Submissions (2):

PreventionGenetics, part of Exact Sciences
Classification: Benign for CGNL1-related condition. Last evaluated: 2019-10-21. Review status: no assertion criteria provided. Collection method: clinical testing. Allele origin: germline.
Comment: This variant is classified as benign based on ACMG/AMP sequence variant interpretation guidelines (Richards et al. 2015 PMID: 25741868, with internal and published modifications).

Dr. Peter K. Rogan Lab, Western University
No classification provided (evidence only). Condition: Hepatocellular carcinoma. Review status: no classification provided. Collection method: in vitro. Allele origin: not applicable. Functional consequence: retained intron. Not counted in ClinVar's aggregate classification.

NM_032866.5(CGNL1):c.3301T>G (p.Leu1101Val)

Gene: CGNL1 (cingulin like 1; plus strand). Cytogenetic location: 15q21.3.
Variant type: single nucleotide variant.
Coding change: c.3301T>G on transcript NM_032866.5 (MANE Select); coding-DNA position 3301, T replaced by G.
Protein change: p.Leu1101Val; replaces leucine 1101 with valine.
Molecular consequence: missense variant.
Genome position (GRCh38, 1-based): chr15:57,543,705, T>G. VCF-style: chr15-57543705-T-G. GRCh37 (hg19) VCF-style: chr15-57835903-T-G.
Other names: NC_000015.9:g.57835903T>G; c.3301T>G, p.Leu1101Val (NM_001252335.2); short protein forms L1101V.
Identifiers: ClinVar variation 3060206 (VCV003060206.3), dbSNP rs1620402, ClinGen allele CA7582493.
Genomic context (GRCh38, chr15:57,543,705, plus strand): 5'-GATACAGGAACAGTCCTTCTAACCTCTGGGCTTTTGTTCTGCTTGCTGTAGATGGAGCAG[T>G]TGAGGAATGAGCTACTTCAGGAGAGAGCTGCGAGACAAGACTTGGAGTGCGACAAGATTT-3'
Protein context (NP_116255.2, residues 1091-1111): ISRSREQMEQ[Leu1101Val]RNELLQERAA